The following is an entry in ClinVar:

ClinVar aggregate classification (germline): Uncertain significance. Review status: criteria provided, multiple submitters, no conflicts (2 of 4 stars). 2 submissions from 2 submitters: Uncertain significance (2). Last evaluated 2025-06-22.

Conditions:
Desmin-related myofibrillar myopathy (MFM1). Also called: Desminopathy; Desmin related myopathy (former name); Desmin storage myopathy (former name); MYOFIBRILLAR MYOPATHY WITH ARRHYTHMOGENIC RIGHT VENTRICULAR CARDIOMYOPATHY; DESMIN-RELATED MYOPATHY WITH ARRHYTHMOGENIC RIGHT VENTRICULAR CARDIOMYOPATHY; Myofibrillar myopathy 1. Identifiers: Orphanet 363543, Orphanet 98909, MedGen C1832370, MONDO:0011076, OMIM 601419.
Cardiovascular phenotype. Identifiers: MedGen CN230736.

Submissions (2):

Labcorp Genetics (formerly Invitae), Labcorp
Classification: Uncertain significance for Desmin-related myofibrillar myopathy. Last evaluated: 2025-06-22. Review status: criteria provided, single submitter. Criteria: Invitae Variant Classification Sherloc (09022015). Collection method: clinical testing. Allele origin: germline.
Comment: This sequence change replaces arginine, which is basic and polar, with leucine, which is neutral and non-polar, at codon 386 of the DES protein (p.Arg386Leu). This variant is not present in population databases (gnomAD no frequency). This variant has not been reported in the literature in individuals affected with DES-related conditions. ClinVar contains an entry for this variant (Variation ID: 1735673). Invitae Evidence Modeling of protein sequence and biophysical properties (such as structural, functional, and spatial information, amino acid conservation, physicochemical variation, residue mobility, and thermodynamic stability) has been performed for this missense variant. However, the output from this modeling did not meet the statistical confidence thresholds required to predict the impact of this variant on DES protein function. In summary, the available evidence is currently insufficient to determine the role of this variant in disease. Therefore, it has been classified as a Variant of Uncertain Significance.

Ambry Genetics
Classification: Uncertain significance for Cardiovascular phenotype. Last evaluated: 2018-11-02. Review status: criteria provided, single submitter. Criteria: Ambry Variant Classification Scheme 2023. Collection method: clinical testing. Allele origin: germline.
Comment: The p.R386L variant (also known as c.1157G>T), located in coding exon 6 of the DES gene, results from a G to T substitution at nucleotide position 1157. The arginine at codon 386 is replaced by leucine, an amino acid with dissimilar properties. An alternate amino acid substitution at this position, p.R386H, was reported in an individual with dilated cardiomyopathy (DCM); however, clinical details were limited (Zhao Y et al. Int. J. Mol. Med., 2015 Dec;36:1479-86). This amino acid position is highly conserved in available vertebrate species. In addition, this alteration is predicted to be deleterious by in silico analysis. Since supporting evidence is limited at this time, the clinical significance of this alteration remains unclear.

Literature cited by the submitters: PubMed 26458567 (cited by Ambry Genetics).

NM_001927.4(DES):c.1157G>T (p.Arg386Leu)

Gene: DES (desmin; plus strand). Cytogenetic location: 2q35.
Variant type: single nucleotide variant.
Coding change: c.1157G>T on transcript NM_001927.4 (MANE Select); coding-DNA position 1157, G replaced by T.
Protein change: p.Arg386Leu; replaces arginine 386 with leucine.
Molecular consequence: missense variant. On other transcripts: intron variant (1).
Genome position (GRCh38, 1-based): chr2:219,421,473, G>T. VCF-style: chr2-219421473-G-T. GRCh37 (hg19) VCF-style: chr2-220286195-G-T.
Other names: c.1154G>T, p.Arg385Leu (NM_001382708.1); c.1088G>T, p.Arg363Leu (NM_001382710.1); c.1136G>T, p.Arg379Leu (NM_001382711.1); c.1157G>T, p.Arg386Leu (NM_001382712.1); c.887G>T, p.Arg296Leu (NM_001382713.1); c.736-11G>T (NM_001382709.1); short protein forms R379L, R385L, R296L, R363L, R386L.
Identifiers: ClinVar variation 1735673 (VCV001735673.3), dbSNP rs1029457073, ClinGen allele CA350694645.